The following is an entry in ClinVar:

NM_006379.5(SEMA3C):c.1713A>T (p.Ala571=)

Gene: SEMA3C (semaphorin 3C; minus strand). Cytogenetic location: 7q21.11.
Variant type: single nucleotide variant.
Coding change: c.1713A>T on transcript NM_006379.5 (MANE Select); coding-DNA position 1713, A replaced by T.
Protein change: p.Ala571=; no amino-acid change (alanine 571 retained).
Molecular consequence: synonymous variant.
Genome position (GRCh38, 1-based): chr7:80,749,027, T>A on the plus strand (A>T on the coding strand, the complement: SEMA3C is on the minus strand). VCF-style: chr7-80749027-T-A. GRCh37 (hg19) VCF-style: chr7-80378343-T-A.
Other names: c.1767A>T, p.Ala589= (NM_001350120.2); c.1539A>T, p.Ala513= (NM_001350121.2); c.1767A>T (NM_001350120.1).
Identifiers: ClinVar variation 711872 (VCV000711872.8), dbSNP rs201228749, ClinGen allele CA4315998.

ClinVar aggregate classification (germline): Likely benign. Review status: criteria provided, multiple submitters, no conflicts (2 of 4 stars). 4 submissions from 4 submitters: Likely benign (3). 1 of the submissions does not count toward it. Last evaluated 2023-11-02.

Conditions:
SEMA3C-related disorder. Also called: SEMA3C-related condition.

Allele frequency attached by ClinVar (database versions not stated): gnomAD 0.00003; TOPMed 0.00011.
gnomAD v4.1: 113 of 1,597,018 alleles (0.0071%); highest among the groups gnomAD compares: Middle Eastern, 0.084%; no homozygotes.

Submissions (4):

Ambry Genetics
Classification: Likely benign. Last evaluated: 2023-11-02. Review status: criteria provided, single submitter. Criteria: Ambry Variant Classification Scheme 2023. Collection method: clinical testing. Allele origin: germline.

Labcorp Genetics (formerly Invitae), Labcorp
Classification: Likely benign. Last evaluated: 2019-12-31. Review status: criteria provided, single submitter. Criteria: Invitae Variant Classification Sherloc (09022015). Collection method: clinical testing. Allele origin: germline.

Breakthrough Genomics
Classification: Likely benign. Review status: criteria provided, single submitter. Criteria: ACMG Guidelines, 2015. Collection method: not provided. Allele origin: germline. Inheritance: Unknown mechanism. Affected: yes.

PreventionGenetics, part of Exact Sciences
Classification: Likely benign for SEMA3C-related condition. Last evaluated: 2021-08-09. Review status: no assertion criteria provided. Collection method: clinical testing. Allele origin: germline. Not counted in ClinVar's aggregate classification.
Comment: This variant is classified as likely benign based on ACMG/AMP sequence variant interpretation guidelines (Richards et al. 2015 PMID: 25741868, with internal and published modifications).